The following is an entry in ClinVar:

ClinVar aggregate classification (germline): Uncertain significance (1 of 4 stars; one submission).

Conditions:
Leukocyte adhesion deficiency 3. Also called: Leukocyte adhesion deficiency, type III; INTEGRIN ACTIVATION DEFICIENCY DISEASE; LEUKOCYTE ADHESION DEFICIENCY 1 VARIANT. Identifiers: Orphanet 2968, Orphanet 99844, MedGen C2748536, MONDO:0013016, OMIM 612840.

Allele frequency attached by ClinVar (database versions not stated): TOPMed below 0.00001.
gnomAD v4.1: 3 of 1,614,128 alleles (0.00019%); highest among the groups gnomAD compares: Non-Finnish European, 0.00025%; no homozygotes.

Submission:

Labcorp Genetics (formerly Invitae), Labcorp
Classification: Uncertain significance for Leukocyte adhesion deficiency 3. Last evaluated: 2022-04-07. Review status: criteria provided, single submitter. Criteria: Invitae Variant Classification Sherloc (09022015). Collection method: clinical testing. Allele origin: germline.
Comment: In summary, the available evidence is currently insufficient to determine the role of this variant in disease. Therefore, it has been classified as a Variant of Uncertain Significance. Algorithms developed to predict the effect of missense changes on protein structure and function are either unavailable or do not agree on the potential impact of this missense change (SIFT: "Deleterious"; PolyPhen-2: "Possibly Damaging"; Align-GVGD: "Class C0"). This variant has not been reported in the literature in individuals affected with FERMT3-related conditions. This variant is not present in population databases (gnomAD no frequency). This sequence change replaces arginine, which is basic and polar, with glutamine, which is neutral and polar, at codon 357 of the FERMT3 protein (p.Arg357Gln).

NM_031471.6(FERMT3):c.1070G>A (p.Arg357Gln)

Gene: FERMT3 (FERM domain containing kindlin 3; plus strand). Cytogenetic location: 11q13.1.
Variant type: single nucleotide variant.
Coding change: c.1070G>A on transcript NM_031471.6 (MANE Select); coding-DNA position 1070, G replaced by A.
Protein change: p.Arg357Gln; replaces arginine 357 with glutamine.
Molecular consequence: missense variant.
Genome position (GRCh38, 1-based): chr11:64,219,780, G>A. VCF-style: chr11-64219780-G-A. GRCh37 (hg19) VCF-style: chr11-63987252-G-A.
Other names: c.1070G>A, p.Arg357Gln (NM_001382361.1, NM_001382362.1, NM_001382448.1 and 1 more transcripts); c.530G>A, p.Arg177Gln (NM_001382363.1, NM_001382364.1); short protein forms R177Q, R357Q.
Identifiers: ClinVar variation 1954908 (VCV001954908.4), dbSNP rs1946633483, ClinGen allele CA381085860.
Genomic context (GRCh38, chr11:64,219,780, plus strand): 5'-TGACTCTGGTCCTCCCATAGGACAGCCTCACCACCATCCCAGAGCTCAAGGACCATCTCC[G>A]AATCTTTCGGTGAGTTGGGGGCCAGAGTAGGCAGCCCTGCTGGAGGGGTTGGTCTGCATA-3'
Protein context (NP_113659.3, residues 347-367): TTIPELKDHL[Arg357Gln]IFRPRKLTLK